The following is an entry in ClinVar:

NM_144672.4(OTOA):c.1726A>G (p.Ile576Val)

Gene: OTOA (otoancorin). Cytogenetic location: 16p12.2.
Variant type: single nucleotide variant.
Coding change: c.1726A>G on transcript NM_144672.4 (MANE Select); coding-DNA position 1726, A replaced by G.
Protein change: p.Ile576Val; replaces isoleucine 576 with valine.
Molecular consequence: missense variant.
Genome position (GRCh38, 1-based): chr16:21,719,424, A>G. VCF-style: chr16-21719424-A-G. GRCh37 (hg19) VCF-style: chr16-21730745-A-G.
Other names: c.1489A>G, p.Ile497Val (NM_001161683.2); c.754A>G, p.Ile252Val (NM_170664.3); short protein forms I252V, I497V, I576V.
Identifiers: ClinVar variation 3901633 (VCV003901633.2).

ClinVar aggregate classification (germline): Uncertain significance. Review status: criteria provided, multiple submitters, no conflicts (2 of 4 stars). 2 submissions from 2 submitters: Uncertain significance (2). Last evaluated 2026-08-10.

Conditions:
OTOA-related disorder. Also called: OTOA-related condition.

Submissions (2):

PreventionGenetics, part of Exact Sciences
Classification: Uncertain significance for OTOA-related condition. Last evaluated: 2026-08-10. Review status: criteria provided, single submitter. Criteria: ACMG Guidelines, 2015. Collection method: clinical testing. Allele origin: germline.
Comment: The OTOA c.1726A>G variant is predicted to result in the amino acid substitution p.Ile576Val. To our knowledge, this variant has not been reported in the literature or in a large population database (gnomAD), indicating this variant is rare. At this time, the clinical significance of this variant is uncertain due to the absence of conclusive functional and genetic evidence.

GeneDx
Classification: Uncertain significance. Last evaluated: 2024-12-03. Review status: criteria provided, single submitter. Criteria: GeneDx Variant Classification Process June 2021. Collection method: clinical testing. Allele origin: germline. Affected: yes.
Comment: Not observed at significant frequency in large population cohorts (gnomAD); In silico analysis indicates that this missense variant does not alter protein structure/function; Has not been previously published as pathogenic or benign to our knowledge